The following is an entry in ClinVar:

ClinVar aggregate classification (germline): Uncertain significance (1 of 4 stars; one submission).

Conditions:
Familial cold autoinflammatory syndrome 2 (FCAS2). Identifiers: Orphanet 247868, MedGen C2673198, MONDO:0012724, OMIM 611762.

Submission:

Labcorp Genetics (formerly Invitae), Labcorp
Classification: Uncertain significance for Familial cold autoinflammatory syndrome 2. Last evaluated: 2022-04-01. Review status: criteria provided, single submitter. Criteria: Invitae Variant Classification Sherloc (09022015). Collection method: clinical testing. Allele origin: germline.
Comment: This variant is not present in population databases (gnomAD no frequency). This sequence change replaces leucine, which is neutral and non-polar, with arginine, which is basic and polar, at codon 481 of the NLRP12 protein (p.Leu481Arg). This variant has not been reported in the literature in individuals affected with NLRP12-related conditions. In summary, the available evidence is currently insufficient to determine the role of this variant in disease. Therefore, it has been classified as a Variant of Uncertain Significance. Algorithms developed to predict the effect of missense changes on protein structure and function (SIFT, PolyPhen-2, Align-GVGD) all suggest that this variant is likely to be disruptive.

NM_144687.4(NLRP12):c.1442T>G (p.Leu481Arg)

Gene: NLRP12 (NLR family pyrin domain containing 12; minus strand). Cytogenetic location: 19q13.42.
Variant type: single nucleotide variant.
Coding change: c.1442T>G on transcript NM_144687.4 (MANE Select); coding-DNA position 1442, T replaced by G.
Protein change: p.Leu481Arg; replaces leucine 481 with arginine.
Molecular consequence: missense variant.
Genome position (GRCh38, 1-based): chr19:53,810,217, A>C on the plus strand (T>G on the coding strand, the complement: NLRP12 is on the minus strand). VCF-style: chr19-53810217-A-C. GRCh37 (hg19) VCF-style: chr19-54313471-A-C.
Other names: c.1442T>G, p.Leu481Arg (NM_001277126.2, NM_001277129.1); short protein forms L481R.
Identifiers: ClinVar variation 2120718 (VCV002120718.4), dbSNP rs1340104199, ClinGen allele CA407413517.